The following is an entry in ClinVar:

NM_014014.5(SNRNP200):c.2580G>C (p.Gln860His)

Gene: SNRNP200 (small nuclear ribonucleoprotein U5 subunit 200; minus strand). Cytogenetic location: 2q11.2.
Variant type: single nucleotide variant.
Coding change: c.2580G>C on transcript NM_014014.5 (MANE Select); coding-DNA position 2580, G replaced by C.
Protein change: p.Gln860His; replaces glutamine 860 with histidine.
Molecular consequence: missense variant.
Genome position (GRCh38, 1-based): chr2:96,290,488, C>G on the plus strand (G>C on the coding strand, the complement: SNRNP200 is on the minus strand). VCF-style: chr2-96290488-C-G. GRCh37 (hg19) VCF-style: chr2-96956226-C-G.
Other names: short protein forms Q860H.
Identifiers: ClinVar variation 1391715 (VCV001391715.6), dbSNP rs146330668, ClinGen allele CA347676796.

ClinVar aggregate classification (germline): Uncertain significance (1 of 4 stars; one submission).

Submission:

Labcorp Genetics (formerly Invitae), Labcorp
Classification: Uncertain significance. Last evaluated: 2022-11-08. Review status: criteria provided, single submitter. Criteria: Invitae Variant Classification Sherloc (09022015). Collection method: clinical testing. Allele origin: germline.
Comment: In summary, the available evidence is currently insufficient to determine the role of this variant in disease. Therefore, it has been classified as a Variant of Uncertain Significance. Advanced modeling of protein sequence and biophysical properties (such as structural, functional, and spatial information, amino acid conservation, physicochemical variation, residue mobility, and thermodynamic stability) performed at Invitae indicates that this missense variant is expected to disrupt SNRNP200 protein function. ClinVar contains an entry for this variant (Variation ID: 1391715). This variant has not been reported in the literature in individuals affected with SNRNP200-related conditions. This variant is not present in population databases (gnomAD no frequency). This sequence change replaces glutamine, which is neutral and polar, with histidine, which is basic and polar, at codon 860 of the SNRNP200 protein (p.Gln860His).